The following is an entry in ClinVar:

NM_003718.5(CDK13):c.1394C>G (p.Ala465Gly)

Gene: CDK13 (cyclin dependent kinase 13; plus strand). Cytogenetic location: 7p14.1.
Variant type: single nucleotide variant.
Coding change: c.1394C>G on transcript NM_003718.5 (MANE Select); coding-DNA position 1394, C replaced by G.
Protein change: p.Ala465Gly; replaces alanine 465 with glycine.
Molecular consequence: missense variant.
Genome position (GRCh38, 1-based): chr7:39,987,781, C>G. VCF-style: chr7-39987781-C-G. GRCh37 (hg19) VCF-style: chr7-40027380-C-G.
Other names: c.1394C>G, p.Ala465Gly (NM_031267.4); short protein forms A465G.
Identifiers: ClinVar variation 2503243 (VCV002503243.1), dbSNP rs2116264298, ClinGen allele CA367282286.

ClinVar aggregate classification (germline): Uncertain significance (1 of 4 stars; one submission).

gnomAD v4.1: 1 of 1,614,008 alleles (0.000062%); highest among the groups gnomAD compares: Non-Finnish European, 0.000085%; no homozygotes.

Submission:

GeneDx
Classification: Uncertain significance. Last evaluated: 2022-11-29. Review status: criteria provided, single submitter. Criteria: GeneDx Variant Classification Process June 2021. Collection method: clinical testing. Allele origin: germline. Affected: yes.
Comment: Not observed at significant frequency in large population cohorts (gnomAD); In silico analysis supports that this missense variant does not alter protein structure/function; Has not been previously published as pathogenic or benign to our knowledge